The following is an entry in ClinVar:

NM_015978.3(TNNI3K):c.1849G>A (p.Asp617Asn)

Genes: FPGT-TNNI3K (FPGT-TNNI3K readthrough; plus strand), TNNI3K (TNNI3 interacting kinase; plus strand). Cytogenetic location: 1p31.1.
Variant type: single nucleotide variant.
Coding change: c.1849G>A on transcript NM_015978.3 (MANE Select); coding-DNA position 1849, G replaced by A.
Protein change: p.Asp617Asn; replaces aspartic acid 617 with asparagine.
Molecular consequence: missense variant.
Genome position (GRCh38, 1-based): chr1:74,436,497, G>A. VCF-style: chr1-74436497-G-A. GRCh37 (hg19) VCF-style: chr1-74902181-G-A.
Other names: c.2152G>A, p.Asp718Asn (NM_001112808.3, NM_001199327.2); short protein forms D617N, D718N.
Identifiers: ClinVar variation 3648786 (VCV003648786.2).
Genomic context (GRCh38, chr1:74,436,497, plus strand): 5'-ATTTCCTTTGACGTGATTTATTTTCTCTTTCCCTCAGAATCAAGATTTCTACAGTCTCTG[G>A]ATGAAGACAACATGACAAAACAACCTGGGGTTTGCTGCTGCTTGTGTTTCCTATAATTAT-3'
Protein context (NP_057062.1, residues 607-627): FGESRFLQSL[Asp617Asn]EDNMTKQPGN

ClinVar aggregate classification (germline): Uncertain significance (1 of 4 stars; one submission).

Submission:

Labcorp Genetics (formerly Invitae), Labcorp
Classification: Uncertain significance. Last evaluated: 2024-04-04. Review status: criteria provided, single submitter. Criteria: Invitae Variant Classification Sherloc (09022015). Collection method: clinical testing. Allele origin: germline.
Comment: This sequence change replaces aspartic acid, which is acidic and polar, with asparagine, which is neutral and polar, at codon 617 of the TNNI3K protein (p.Asp617Asn). This variant is not present in population databases (gnomAD no frequency). This variant has not been reported in the literature in individuals affected with TNNI3K-related conditions. An algorithm developed to predict the effect of missense changes on protein structure and function (PolyPhen-2) suggests that this variant is likely to be disruptive. In summary, the available evidence is currently insufficient to determine the role of this variant in disease. Therefore, it has been classified as a Variant of Uncertain Significance.